The following is an entry in ClinVar:

NM_004608.4(TBX6):c.118+2T>C

Gene: TBX6 (T-box transcription factor 6; minus strand). Cytogenetic location: 16p11.2.
Variant type: single nucleotide variant.
Coding change: c.118+2T>C on transcript NM_004608.4 (MANE Select); the canonical splice donor site of the intron after coding-DNA position 118, T replaced by C.
Molecular consequence: splice donor variant.
Genome position (GRCh38, 1-based): chr16:30,091,074, A>G on the plus strand (T>C on the coding strand, the complement: TBX6 is on the minus strand). VCF-style: chr16-30091074-A-G. GRCh37 (hg19) VCF-style: chr16-30102395-A-G.
Identifiers: ClinVar variation 2630865 (VCV002630865.1), dbSNP rs1259588265, ClinGen allele CA395522151.
Genomic context (GRCh38, chr16:30,091,074, plus strand): 5'-GGAGCCAGCCGAGGGCCACAGCCCCCCTATTCTCCTACCCAGGAGCTGGTCCCAACGCTC[A>G]CCGGGGTAGCGGTAGCCCTCCGCTAGGGCGGGTGGGAAGCTGGAGTCGGCCCCAGGTTGG-3'

ClinVar aggregate classification (germline): Uncertain significance (1 of 4 stars; one submission).

Conditions:
TBX6-related disorder. Also called: TBX6-related condition.

Allele frequency attached by ClinVar (database versions not stated): gnomAD exomes below 0.00001.

Submission:

PreventionGenetics, part of Exact Sciences
Classification: Uncertain significance for TBX6-related condition. Last evaluated: 2023-09-05. Review status: criteria provided, single submitter. Criteria: ACMG Guidelines, 2015. Collection method: clinical testing. Allele origin: germline.
Comment: The TBX6 c.118+2T>C variant is predicted to disrupt the GT donor site and interfere with normal splicing. To our knowledge, this variant has not been reported in the literature, nor have truncating variants or splicing variants been reported upstream of this position to our knowledge. However, a different variant impacting the splice acceptor site for this splice site has been reported in trans to the T-C-A haplotype in an individual with L3 butterfly vertebrae/congenital scoliosis (Table 1, Liu et al. 2019. PubMed ID: 30636772). This variant is reported in 0.0065% of alleles in individuals of European (Non-Finnish) descent in gnomAD. Although we suspect that this variant may be pathogenic, at this time, the clinical significance of this variant is uncertain due to the absence of conclusive functional and genetic evidence.